The following is an entry in ClinVar:

ClinVar aggregate classification (germline): Uncertain significance (1 of 4 stars; one submission).

Submission:

Labcorp Genetics (formerly Invitae), Labcorp
Classification: Uncertain significance. Last evaluated: 2023-10-03. Review status: criteria provided, single submitter. Criteria: Invitae Variant Classification Sherloc (09022015). Collection method: clinical testing. Allele origin: germline.
Comment: This sequence change replaces leucine, which is neutral and non-polar, with phenylalanine, which is neutral and non-polar, at codon 548 of the DTHD1 protein (p.Leu548Phe). This variant is not present in population databases (gnomAD no frequency). This variant has not been reported in the literature in individuals affected with DTHD1-related conditions. ClinVar contains an entry for this variant (Variation ID: 1500481). An algorithm developed to predict the effect of missense changes on protein structure and function (PolyPhen-2) suggests that this variant is likely to be disruptive. In summary, the available evidence is currently insufficient to determine the role of this variant in disease. Therefore, it has been classified as a Variant of Uncertain Significance.

NM_001170700.3(DTHD1):c.2512C>T (p.Leu838Phe)

Gene: DTHD1 (death domain containing 1; plus strand). Cytogenetic location: 4p14.
Variant type: single nucleotide variant.
Coding change: c.2512C>T on transcript NM_001170700.3 (MANE Select); coding-DNA position 2512, C replaced by T.
Protein change: p.Leu838Phe; replaces leucine 838 with phenylalanine.
Molecular consequence: missense variant. On other transcripts: synonymous variant (1), non-coding transcript variant (2).
Genome position (GRCh38, 1-based): chr4:36,343,615, C>T. VCF-style: chr4-36343615-C-T. GRCh37 (hg19) VCF-style: chr4-36345237-C-T.
Other names: c.1642C>T, p.Leu548Phe (NM_001136536.5); c.1521C>T, p.Asn507= (NM_001378435.1); short protein forms L548F, L838F.
Identifiers: ClinVar variation 1500481 (VCV001500481.8), dbSNP rs2109588103, ClinGen allele CA356682250.